The following is an entry in ClinVar:

ClinVar aggregate classification (germline): Likely benign (1 of 4 stars; one submission).

Conditions:
PRPF31-related disorder. Also called: PRPF31-related condition.

gnomAD v4.1: 25 of 1,613,976 alleles (0.0015%); highest among the groups gnomAD compares: Non-Finnish European, 0.0019%; no homozygotes.

Submission:

PreventionGenetics, part of Exact Sciences
Classification: Likely benign for PRPF31-related condition. Last evaluated: 2025-08-15. Review status: criteria provided, single submitter. Criteria: ACMG Guidelines, 2015. Collection method: clinical testing. Allele origin: germline.
Comment: This variant is classified as likely benign based on ACMG/AMP sequence variant interpretation guidelines (Richards et al. 2015 PMID: 25741868, with internal and published modifications).

NM_015629.4(PRPF31):c.1431G>A (p.Gln477=)

Gene: PRPF31 (pre-mRNA processing factor 31; plus strand). Cytogenetic location: 19q13.42.
Variant type: single nucleotide variant.
Coding change: c.1431G>A on transcript NM_015629.4 (MANE Select); coding-DNA position 1431, G replaced by A.
Protein change: p.Gln477=; no amino-acid change (glutamine 477 retained).
Molecular consequence: synonymous variant.
Genome position (GRCh38, 1-based): chr19:54,131,363, G>A. VCF-style: chr19-54131363-G-A. GRCh37 (hg19) VCF-style: chr19-54634794-G-A.
Identifiers: ClinVar variation 4997634 (VCV004997634.1).
Genomic context (GRCh38, chr19:54,131,363, plus strand): 5'-CCAGGGCCTGGAGATTGTGAACCCACAGGCGGCAGAGAAGAAGGTGGCTGAGGCCAACCA[G>A]AAGTATTTCTCCAGCATGGCTGAGTTCCTCAAGGTCAAGGGCGAGAAGAGTGGCCTTATG-3'
Protein context (NP_056444.3, residues 467-487): AAEKKVAEAN[Gln477=]KYFSSMAEFL